The following is an entry in ClinVar:

NM_001931.5(DLAT):c.1514A>G (p.Gln505Arg)

Gene: DLAT (dihydrolipoamide S-acetyltransferase; plus strand). Cytogenetic location: 11q23.1.
Variant type: single nucleotide variant.
Coding change: c.1514A>G on transcript NM_001931.5 (MANE Select); coding-DNA position 1514, A replaced by G.
Protein change: p.Gln505Arg; replaces glutamine 505 with arginine.
Molecular consequence: missense variant. On other transcripts: non-coding transcript variant (1).
Genome position (GRCh38, 1-based): chr11:112,051,349, A>G. VCF-style: chr11-112051349-A-G. GRCh37 (hg19) VCF-style: chr11-111922073-A-G.
Other names: c.1532A>G, p.Gln511Arg (NM_001372031.1); c.1508A>G, p.Gln503Arg (NM_001372032.1); c.1514A>G, p.His505Arg (NM_001372033.1); c.1481A>G, p.Gln494Arg (NM_001372034.1); c.1406A>G, p.Gln469Arg (NM_001372035.1); c.1388A>G, p.Gln463Arg (NM_001372036.1); c.1346A>G, p.Gln449Arg (NM_001372037.1); c.1235A>G, p.Gln412Arg (NM_001372038.1); and 4 more; short protein forms H505R, Q351R, Q364R, Q378R, Q400R, Q412R, Q449R, Q463R.
Identifiers: ClinVar variation 1060706 (VCV001060706.9), dbSNP rs1863619150, ClinGen allele CA382616460.

ClinVar aggregate classification (germline): Uncertain significance (1 of 4 stars; one submission).

Conditions:
Pyruvate dehydrogenase E2 deficiency (PDHDD). Also called: Dihydrolipoamide Acetyltransferase (E2) Deficiency; LACTIC ACIDEMIA DUE TO DEFECT OF E2 LIPOYL TRANSACETYLASE OF THE PYRUVATE DEHYDROGENASE COMPLEX. Identifiers: Orphanet 765, Orphanet 79244, MedGen C1855565, MONDO:0009502, OMIM 245348.

Allele frequency attached by ClinVar (database versions not stated): TOPMed below 0.00001.
gnomAD v4.1: 3 of 1,590,422 alleles (0.00019%); no homozygotes.

Submission:

Labcorp Genetics (formerly Invitae), Labcorp
Classification: Uncertain significance for Pyruvate dehydrogenase E2 deficiency. Last evaluated: 2020-07-23. Review status: criteria provided, single submitter. Criteria: Invitae Variant Classification Sherloc (09022015). Collection method: clinical testing. Allele origin: germline.
Comment: Algorithms developed to predict the effect of missense changes on protein structure and function (SIFT, PolyPhen-2, Align-GVGD) all suggest that this variant is likely to be tolerated, but these predictions have not been confirmed by published functional studies and their clinical significance is uncertain. In summary, the available evidence is currently insufficient to determine the role of this variant in disease. Therefore, it has been classified as a Variant of Uncertain Significance. Algorithms developed to predict the effect of sequence changes on RNA splicing suggest that this variant may create or strengthen a splice site, but this prediction has not been confirmed by published transcriptional studies. This variant has not been reported in the literature in individuals with DLAT-related disease. This variant is not present in population databases (ExAC no frequency). This sequence change replaces glutamine with arginine at codon 505 of the DLAT protein (p.Gln505Arg). The glutamine residue is moderately conserved and there is a small physicochemical difference between glutamine and arginine.